The following is an entry in ClinVar:

NM_014516.4(CNOT3):c.2089C>T (p.Arg697Ter)

Gene: CNOT3 (CCR4-NOT transcription complex subunit 3; plus strand). Cytogenetic location: 19q13.42.
Variant type: single nucleotide variant.
Coding change: c.2089C>T on transcript NM_014516.4 (MANE Select); coding-DNA position 2089, C replaced by T.
Protein change: p.Arg697Ter; replaces arginine 697 with a stop codon.
Molecular consequence: nonsense.
Genome position (GRCh38, 1-based): chr19:54,153,766, C>T. VCF-style: chr19-54153766-C-T. GRCh37 (hg19) VCF-style: chr19-54657503-C-T.
Other names: short protein forms R697*.
Identifiers: ClinVar variation 1707497 (VCV001707497.7), dbSNP rs2075273330, ClinGen allele CA407772019.

ClinVar aggregate classification (germline): Pathogenic. Review status: criteria provided, multiple submitters, no conflicts (2 of 4 stars). 2 submissions from 2 submitters: Pathogenic (2). Last evaluated 2025-05-16.

Conditions:
Intellectual developmental disorder with speech delay, autism, and dysmorphic facies. Identifiers: MedGen C5231456, MONDO:0032864, OMIM 618672.
CNOT3-associated disorder.

Allele frequency attached by ClinVar (database versions not stated): TOPMed below 0.00001.

Submissions (2):

Institute of Human Genetics Munich, TUM University Hospital
Classification: Pathogenic for CNOT3-associated disorder. Last evaluated: 2025-05-16. Review status: criteria provided, single submitter. Criteria: Classification criteria August 2017. Collection method: clinical testing. Allele origin: de novo. Inheritance: Autosomal dominant inheritance. Affected: yes. Observed: 1 variant allele.

Center for Human Genetics and Genomic Medicine, Uniklinik Rwth Aachen
Classification: Pathogenic for Intellectual developmental disorder with speech delay, autism, and dysmorphic facies. Last evaluated: 2022-09-28. Review status: criteria provided, single submitter. Criteria: ACMG Guidelines, 2015. Collection method: clinical testing. Allele origin: de novo. Inheritance: Autosomal dominant inheritance. Affected: yes. Observed: 1 heterozygote.
Comment: The variant is not listed in control collectives (gnomAD). It has not yet been described in the literature or in the ClinVar database. Bioinformatically, the change is classified as "probably disease-causing" (CADDphred 45). In the case of stop or nonsense variants in a gene that matches the phenotype, in which "loss of function" changes represent a known pathomechanism, there is a high probability of pathogenetic relevance. The variant is currently to be regarded as a "pathogenic variant" (ACMG criteria).

Literature cited by the submitters: PubMed 618672 (cited by Institute of Human Genetics Munich, TUM University Hospital).